The following is an entry in ClinVar:

ClinVar aggregate classification (germline): Likely benign. Review status: criteria provided, single submitter (1 of 4 stars). 2 submissions from 2 submitters: Likely benign (1). 1 of the submissions does not count toward it. Last evaluated 2023-09-26.

Conditions:
PCNT-related disorder. Also called: PCNT-related condition.

Allele frequency attached by ClinVar (database versions not stated): gnomAD exomes below 0.00001; ExAC 0.00001; gnomAD 0.00001; TOPMed 0.00001.
gnomAD v4.1: 5 of 1,613,882 alleles (0.00031%); highest among the groups gnomAD compares: Non-Finnish European, 0.00042%; no homozygotes.

Submissions (2):

Labcorp Genetics (formerly Invitae), Labcorp
Classification: Likely benign. Last evaluated: 2023-09-26. Review status: criteria provided, single submitter. Criteria: Invitae Variant Classification Sherloc (09022015). Collection method: clinical testing. Allele origin: germline.

PreventionGenetics, part of Exact Sciences
Classification: Likely benign for PCNT-related condition. Last evaluated: 2023-12-21. Review status: no assertion criteria provided. Collection method: clinical testing. Allele origin: germline. Not counted in ClinVar's aggregate classification.
Comment: This variant is classified as likely benign based on ACMG/AMP sequence variant interpretation guidelines (Richards et al. 2015 PMID: 25741868, with internal and published modifications).

NM_006031.6(PCNT):c.1173G>A (p.Leu391=)

Gene: PCNT (pericentrin; plus strand). Cytogenetic location: 21q22.3.
Variant type: single nucleotide variant.
Coding change: c.1173G>A on transcript NM_006031.6 (MANE Select); coding-DNA position 1173, G replaced by A.
Protein change: p.Leu391=; no amino-acid change (leucine 391 retained).
Molecular consequence: synonymous variant.
Genome position (GRCh38, 1-based): chr21:46,349,152, G>A. VCF-style: chr21-46349152-G-A. GRCh37 (hg19) VCF-style: chr21-47769066-G-A.
Other names: c.1173G>A (NM_006031.5); c.819G>A, p.Leu273= (NM_001315529.2).
Identifiers: ClinVar variation 2990203 (VCV002990203.4), dbSNP rs765006753, ClinGen allele CA10078525.